The following is an entry in ClinVar:

NM_000081.4(LYST):c.3159del (p.Ser1054fs)

Gene: LYST (lysosomal trafficking regulator; minus strand). Cytogenetic location: 1q42.3.
Variant type: Deletion.
Coding change: c.3159del on transcript NM_000081.4 (MANE Select); coding-DNA position 3159, one base deleted (T; older notation c.3159delT).
Protein change: p.Ser1054fs; shifts the reading frame from serine 1054.
Molecular consequence: frameshift variant.
Genome position (GRCh38, 1-based): chr1:235,805,977, A deleted on the plus strand (T on the coding strand, the reverse complement: LYST is on the minus strand). VCF-style (leftmost placement, unchanged base first): chr1-235805976-TA-T. GRCh37 (hg19) VCF-style: chr1-235969276-TA-T.
Other names: c.3159del, p.Ser1054fs (NM_001301365.1); short protein forms S1054fs.
Identifiers: ClinVar variation 3653930 (VCV003653930.2).
Genomic context (GRCh38, chr1:235,805,976, plus strand): 5'-TTATGGAAGAAATATGCTGTAACTCTAATTTACCTAAACTGTCAGCACTCTTTTTTAGAC[TA>T]CCTAGTTCTGATGGTATGGGGTCACTTTTTATAGCCAAAGATAATAAATCTTCCTTCATA-3'

ClinVar aggregate classification (germline): Pathogenic (1 of 4 stars; one submission).

Conditions:
Chédiak-Higashi syndrome (CHS). Also called: Chediak-Higashi Syndrome. Identifiers: Orphanet 167, MedGen C0007965, MONDO:0008963, OMIM 214500.

Submission:

Labcorp Genetics (formerly Invitae), Labcorp
Classification: Pathogenic for Chédiak-Higashi syndrome. Last evaluated: 2024-07-15. Review status: criteria provided, single submitter. Criteria: Invitae Variant Classification Sherloc (09022015). Collection method: clinical testing. Allele origin: germline.
Comment: This sequence change creates a premature translational stop signal (p.Ser1054Valfs*2) in the LYST gene. It is expected to result in an absent or disrupted protein product. Loss-of-function variants in LYST are known to be pathogenic (PMID: 9215679, 11857544). This variant is not present in population databases (gnomAD no frequency). This variant has not been reported in the literature in individuals affected with LYST-related conditions. For these reasons, this variant has been classified as Pathogenic.

Literature cited by the submitters: PubMed 9215679; PubMed 11857544.